The following is an entry in ClinVar:

NM_003307.4(TRPM2):c.3729G>C (p.Arg1243=)

Gene: TRPM2 (transient receptor potential cation channel subfamily M member 2; plus strand). Cytogenetic location: 21q22.3.
Variant type: single nucleotide variant.
Coding change: c.3729G>C on transcript NM_003307.4 (MANE Select); coding-DNA position 3729, G replaced by C.
Protein change: p.Arg1243=; no amino-acid change (arginine 1243 retained).
Molecular consequence: synonymous variant. On other transcripts: 5 prime UTR variant (1), non-coding transcript variant (1).
Genome position (GRCh38, 1-based): chr21:44,425,761, G>C. VCF-style: chr21-44425761-G-C. GRCh37 (hg19) VCF-style: chr21-45845644-G-C.
Other names: c.3879G>C, p.Arg1293= (NM_001320350.2); c.3729G>C, p.Arg1243= (NM_001320351.2); c.-87G>C (NM_001320352.3).
Identifiers: ClinVar variation 2652755 (VCV002652755.24), dbSNP rs1012625878, ClinGen allele CA512509928.

ClinVar aggregate classification (germline): Likely benign (1 of 4 stars; one submission).

Submission:

CeGaT Center for Human Genetics Tuebingen
Classification: Likely benign. Last evaluated: 2022-12-01. Review status: criteria provided, single submitter. Criteria: CeGaT Center For Human Genetics Tuebingen Variant Classification Criteria Version 2. Collection method: clinical testing. Allele origin: germline. Affected: yes. Observed: 1 variant allele.
Comment: TRPM2: PM2:Supporting, BP4, BP7